The following is an entry in ClinVar:

NM_000219.6(KCNE1):c.232T>C (p.Phe78Leu)

Gene: KCNE1 (potassium voltage-gated channel subfamily E regulatory subunit 1; minus strand). Cytogenetic location: 21q22.12.
Variant type: single nucleotide variant.
Coding change: c.232T>C on transcript NM_000219.6 (MANE Select); coding-DNA position 232, T replaced by C.
Protein change: p.Phe78Leu; replaces phenylalanine 78 with leucine.
Molecular consequence: missense variant.
Genome position (GRCh38, 1-based): chr21:34,449,403, A>G on the plus strand (T>C on the coding strand, the complement: KCNE1 is on the minus strand). VCF-style: chr21-34449403-A-G. GRCh37 (hg19) VCF-style: chr21-35821701-A-G.
Other names: c.232T>C, p.Phe78Leu (NM_001127668.4, NM_001127669.4, NM_001127670.4 and 4 more transcripts); short protein forms F78L.
Identifiers: ClinVar variation 3374392 (VCV003374392.2).

Conditions:
Long QT syndrome 5 (LQT5). Identifiers: Orphanet 101016, Orphanet 768, MedGen C1867904, MONDO:0013372, OMIM 613695.

Submission:

Roden Lab, Vanderbilt University Medical Center
No classification provided (evidence only). Condition: Long QT syndrome 5. Review status: no classification provided. Collection method: in vitro. Allele origin: not applicable. Functional consequence: Effect on ion channel function.
ClinVar note: "not provided" was previously submitted as the classification for the variant. However, the classification appeared to be based only on an observation of functional data so it was converted to no classification on 2025-07-30.